The following is an entry in ClinVar:

ClinVar aggregate classification (germline): Uncertain significance (1 of 4 stars; one submission).

Submission:

CeGaT Center for Human Genetics Tuebingen
Classification: Uncertain significance. Last evaluated: 2025-08-01. Review status: criteria provided, single submitter. Criteria: CeGaT Center For Human Genetics Tuebingen Variant Classification Criteria Version 2. Collection method: clinical testing. Allele origin: germline. Affected: yes. Observed: 3 variant alleles.
Comment: GRIA3: PM2

NM_007325.5(GRIA3):c.1609C>G (p.Pro537Ala)

Gene: GRIA3 (glutamate ionotropic receptor AMPA type subunit 3; plus strand). Cytogenetic location: Xq25.
Variant type: single nucleotide variant.
Coding change: c.1609C>G on transcript NM_007325.5 (MANE Select); coding-DNA position 1609, C replaced by G.
Protein change: p.Pro537Ala; replaces proline 537 with alanine.
Molecular consequence: missense variant.
Genome position (GRCh38, 1-based): chrX:123,417,510, C>G. VCF-style: chrX-123417510-C-G. GRCh37 (hg19) VCF-style: chrX-122551361-C-G.
Other names: c.1609C>G, p.Pro537Ala (NM_000828.5); short protein forms P537A.
Identifiers: ClinVar variation 807809 (VCV000807809.42), dbSNP rs1603143944, ClinGen allele CA414256893.